The following is an entry in ClinVar:

ClinVar aggregate classification (germline): Uncertain significance. Review status: criteria provided, multiple submitters, no conflicts (2 of 4 stars). 2 submissions from 2 submitters: Uncertain significance (2). Last evaluated 2025-11-26.

Conditions:
Inborn genetic diseases. Identifiers: MedGen C0950123, MeSH D030342.

Submissions (2):

Ambry Genetics
Classification: Uncertain significance for Inborn genetic diseases. Last evaluated: 2025-11-26. Review status: criteria provided, single submitter. Criteria: Ambry Variant Classification Scheme 2023. Collection method: clinical testing. Allele origin: germline.

Labcorp Genetics (formerly Invitae), Labcorp
Classification: Uncertain significance. Last evaluated: 2025-10-07. Review status: criteria provided, single submitter. Criteria: Invitae Variant Classification Sherloc (09022015). Collection method: clinical testing. Allele origin: germline.
Comment: This sequence change replaces valine, which is neutral and non-polar, with methionine, which is neutral and non-polar, at codon 80 of the KRT1 protein (p.Val80Met). This variant is present in population databases (no rsID available, gnomAD 0.001%). This variant has not been reported in the literature in individuals affected with KRT1-related conditions. Invitae Evidence Modeling of protein sequence and biophysical properties (such as structural, functional, and spatial information, amino acid conservation, physicochemical variation, residue mobility, and thermodynamic stability) indicates that this missense variant is not expected to disrupt KRT1 protein function with a negative predictive value of 80%. In summary, the available evidence is currently insufficient to determine the role of this variant in disease. Therefore, it has been classified as a Variant of Uncertain Significance.

NM_006121.4(KRT1):c.238G>A (p.Val80Met)

Gene: KRT1 (keratin 1; minus strand). Cytogenetic location: 12q13.13.
Variant type: single nucleotide variant.
Coding change: c.238G>A on transcript NM_006121.4 (MANE Select); coding-DNA position 238, G replaced by A.
Protein change: p.Val80Met; replaces valine 80 with methionine.
Molecular consequence: missense variant.
Genome position (GRCh38, 1-based): chr12:52,680,111, C>T on the plus strand (G>A on the coding strand, the complement: KRT1 is on the minus strand). VCF-style: chr12-52680111-C-T. GRCh37 (hg19) VCF-style: chr12-53073895-C-T.
Other names: short protein forms V80M.
Identifiers: ClinVar variation 4623194 (VCV004623194.2).